The following is an entry in ClinVar:

NM_177438.3(DICER1):c.3396T>C (p.Ala1132=)

Gene: DICER1 (dicer 1, ribonuclease III; minus strand). Cytogenetic location: 14q32.13.
Variant type: single nucleotide variant.
Coding change: c.3396T>C on transcript NM_177438.3 (MANE Select); coding-DNA position 3396, T replaced by C.
Protein change: p.Ala1132=; no amino-acid change (alanine 1132 retained).
Molecular consequence: synonymous variant.
Genome position (GRCh38, 1-based): chr14:95,104,000, A>G on the plus strand (T>C on the coding strand, the complement: DICER1 is on the minus strand). VCF-style: chr14-95104000-A-G. GRCh37 (hg19) VCF-style: chr14-95570337-A-G.
Other names: c.3396T>C, p.Ala1132= (NM_001195573.1, NM_001271282.3, NM_001291628.2 and 1 more transcripts).
Identifiers: ClinVar variation 417074 (VCV000417074.18), dbSNP rs1060504968, ClinGen allele CA16614335.

ClinVar aggregate classification (germline): Benign/Likely benign. Review status: criteria provided, multiple submitters, no conflicts (2 of 4 stars). 3 submissions from 3 submitters: Benign (1); Likely benign (2). Last evaluated 2026-04-17.

Conditions:
Hereditary cancer-predisposing syndrome. Also called: Hereditary Cancer Syndrome; Neoplastic Syndromes, Hereditary; Hereditary neoplastic syndrome; Tumor predisposition. Identifiers: Orphanet 140162, MedGen C0027672, MeSH D009386, MONDO:0015356.
DICER1-related tumor predisposition. Also called: DICER1-related pleuropulmonary blastoma cancer predisposition syndrome; DICER1 syndrome. Identifiers: Orphanet 284343, MedGen C3839822, MONDO:0100216.

gnomAD v4.1: 1 of 1,614,218 alleles (0.000062%); no homozygotes.

Submissions (3):

Myriad Genetics, Inc.
Classification: Benign for DICER1-related tumor predisposition. Last evaluated: 2026-04-17. Review status: criteria provided, single submitter. Criteria: Myriad Autosomal Dominant, Autosomal Recessive and X-Linked Classification Criteria (2023). Collection method: clinical testing. Allele origin: unknown.
Comment: This variant is considered benign. This variant is a silent/synonymous amino acid change and it is not expected to impact splicing.

Labcorp Genetics (formerly Invitae), Labcorp
Classification: Likely benign for DICER1-related tumor predisposition. Last evaluated: 2025-08-17. Review status: criteria provided, single submitter. Criteria: Invitae Variant Classification Sherloc (09022015). Collection method: clinical testing. Allele origin: germline.

Ambry Genetics
Classification: Likely benign for Hereditary cancer-predisposing syndrome. Last evaluated: 2017-02-20. Review status: criteria provided, single submitter. Criteria: Ambry Variant Classification Scheme 2023. Collection method: clinical testing. Allele origin: germline.